The following is an entry in ClinVar:

NM_001144952.2(SDK2):c.3899-4C>G

Gene: SDK2 (sidekick cell adhesion molecule 2; minus strand). Cytogenetic location: 17q25.1.
Variant type: single nucleotide variant.
Coding change: c.3899-4C>G on transcript NM_001144952.2 (MANE Select); 4 bases into the intron before coding-DNA position 3899, C replaced by G.
Molecular consequence: intron variant.
Genome position (GRCh38, 1-based): chr17:73,391,542, G>C on the plus strand (C>G on the coding strand, the complement: SDK2 is on the minus strand). VCF-style: chr17-73391542-G-C. GRCh37 (hg19) VCF-style: chr17-71387681-G-C.
Identifiers: ClinVar variation 3040502 (VCV003040502.2), dbSNP rs749063119, ClinGen allele CA8742981.
Genomic context (GRCh38, chr17:73,391,542, plus strand): 5'-GCCGCACAGACGTGGTCCGCACCTCTGGGAACAGGATGCCCATGGGTGGTCCTGGGACTG[G>C]AGGGGGCAAAGGAGAGGAGGCCGACCCATGAGGCTGCCGCTCAGCTGGGGATGAGCCCAG-3'

ClinVar aggregate classification (germline): Likely benign (0 of 4 stars; one submission).

Conditions:
SDK2-related disorder. Also called: SDK2-related condition.

Submission:

PreventionGenetics, part of Exact Sciences
Classification: Likely benign for SDK2-related condition. Last evaluated: 2019-09-19. Review status: no assertion criteria provided. Collection method: clinical testing. Allele origin: germline.
Comment: This variant is classified as likely benign based on ACMG/AMP sequence variant interpretation guidelines (Richards et al. 2015 PMID: 25741868, with internal and published modifications).